The following is an entry in ClinVar:

ClinVar aggregate classification (germline): Uncertain significance (1 of 4 stars; one submission).

Conditions:
Inborn genetic diseases. Identifiers: MedGen C0950123, MeSH D030342.

Submission:

Ambry Genetics
Classification: Uncertain significance for Inborn genetic diseases. Last evaluated: 2021-02-24. Review status: criteria provided, single submitter. Criteria: Ambry Variant Classification Scheme 2023. Collection method: clinical testing. Allele origin: germline.
Comment: The p.L2402P variant (also known as c.7205T>C), located in coding exon 40 of the SPG11 gene, results from a T to C substitution at nucleotide position 7205. The leucine at codon 2402 is replaced by proline, an amino acid with similar properties. This amino acid position is well conserved in available vertebrate species. In addition, this alteration is predicted to be deleterious by in silico analysis. Since supporting evidence is limited at this time, the clinical significance of this alteration remains unclear.

NM_025137.4(SPG11):c.7205T>C (p.Leu2402Pro)

Gene: SPG11 (SPG11 vesicle trafficking associated, spatacsin; minus strand). Cytogenetic location: 15q21.1.
Variant type: single nucleotide variant.
Coding change: c.7205T>C on transcript NM_025137.4 (MANE Select); coding-DNA position 7205, T replaced by C.
Protein change: p.Leu2402Pro; replaces leucine 2402 with proline.
Molecular consequence: missense variant.
Genome position (GRCh38, 1-based): chr15:44,563,248, A>G on the plus strand (T>C on the coding strand, the complement: SPG11 is on the minus strand). VCF-style: chr15-44563248-A-G. GRCh37 (hg19) VCF-style: chr15-44855446-A-G.
Other names: c.6866T>C, p.Leu2289Pro (NM_001160227.2); c.7061T>C, p.Leu2354Pro (NM_001411132.1); short protein forms L2354P, L2402P, L2289P.
Identifiers: ClinVar variation 1757687 (VCV001757687.2), dbSNP rs2505149451, ClinGen allele CA392211507.